The following is an entry in ClinVar:

ClinVar aggregate classification (germline): Benign/Likely benign. Review status: criteria provided, multiple submitters, no conflicts (2 of 4 stars). 4 submissions from 4 submitters: Benign (1); Likely benign (3). Last evaluated 2024-09-19.

Conditions:
Hereditary cancer-predisposing syndrome. Also called: Hereditary Cancer Syndrome; Hereditary neoplastic syndrome; Neoplastic Syndromes, Hereditary; Tumor predisposition. Identifiers: Orphanet 140162, MedGen C0027672, MeSH D009386, MONDO:0015356.
Hereditary diffuse gastric adenocarcinoma (HDGC). Also called: DIFFUSE GASTRIC AND LOBULAR BREAST CANCER SYNDROME. Identifiers: Orphanet 26106, MedGen C1708349, MONDO:0007648, OMIM 137215.

Submissions (4):

Myriad Genetics, Inc.
Classification: Benign for Hereditary diffuse gastric adenocarcinoma. Last evaluated: 2024-09-19. Review status: criteria provided, single submitter. Criteria: Myriad Autosomal Dominant, Autosomal Recessive and X-Linked Classification Criteria (2023). Collection method: clinical testing. Allele origin: unknown.
Comment: This variant is considered benign. This variant is a silent/synonymous amino acid change and it is not expected to impact splicing.

Labcorp Genetics (formerly Invitae), Labcorp
Classification: Likely benign for Hereditary diffuse gastric adenocarcinoma. Last evaluated: 2022-12-17. Review status: criteria provided, single submitter. Criteria: Invitae Variant Classification Sherloc (09022015). Collection method: clinical testing. Allele origin: germline.

Ambry Genetics
Classification: Likely benign for Hereditary cancer-predisposing syndrome. Last evaluated: 2022-06-07. Review status: criteria provided, single submitter. Criteria: Ambry Variant Classification Scheme 2023. Collection method: clinical testing. Allele origin: germline.

Color Diagnostics, LLC DBA Color Health
Classification: Likely benign for Hereditary cancer-predisposing syndrome. Last evaluated: 2018-11-02. Review status: criteria provided, single submitter. Criteria: ACMG Guidelines, 2015. Collection method: clinical testing. Allele origin: germline.

NM_004360.5(CDH1):c.1449C>T (p.Ala483=)

Gene: CDH1 (cadherin 1; plus strand). Cytogenetic location: 16q22.1.
Variant type: single nucleotide variant.
Coding change: c.1449C>T on transcript NM_004360.5 (MANE Select); coding-DNA position 1449, C replaced by T.
Protein change: p.Ala483=; no amino-acid change (alanine 483 retained).
Molecular consequence: synonymous variant. On other transcripts: 5 prime UTR variant (2).
Genome position (GRCh38, 1-based): chr16:68,815,643, C>T. VCF-style: chr16-68815643-C-T. GRCh37 (hg19) VCF-style: chr16-68849546-C-T.
Other names: c.1266C>T, p.Ala422= (NM_001317184.2); c.-100C>T (NM_001317185.2); c.-371C>T (NM_001317186.2).
Identifiers: ClinVar variation 918499 (VCV000918499.8), dbSNP rs1960964572, ClinGen allele CA496154049.